The following is an entry in ClinVar:

ClinVar aggregate classification (germline): Pathogenic. Review status: reviewed by expert panel (3 of 4 stars). 11 submissions from 11 submitters: Pathogenic (1). 10 of the submissions do not count toward it. Last evaluated 2026-05-20.

Conditions:
OTC-related disorder. Also called: OTC-related condition.
Inborn genetic diseases. Identifiers: MedGen C0950123, MeSH D030342.
Ornithine carbamoyltransferase deficiency (OTCD). Also called: Ornithine Carbamoyltransferase Deficiency Disease; ORNITHINE TRANSCARBAMYLASE DEFICIENCY; ORNITHINE TRANSCARBAMYLASE DEFICIENCY, HYPERAMMONEMIA DUE TO; OTC DEFICIENCY. Identifiers: Orphanet 664, MedGen C0268542, MONDO:0010703, OMIM 311250.

Allele frequency attached by ClinVar (database versions not stated): ExAC 0.00001; 1000 Genomes Project 30x 0.00021.

Submissions (11):

Clingen Urea Cycle Disorders Variant Curation Expert Panel, ClinGen
Classification: Pathogenic for Ornithine carbamoyltransferase deficiency. Last evaluated: 2026-05-20. Review status: reviewed by expert panel. Criteria: ClinGen UreaCycles ACMG Specifications OTC V1.0. Collection method: curation. Allele origin: germline. Inheritance: X-linked inheritance.
Comment: The NM_000156.6:c.77G>A variant in OTC is a missense variant predicted to cause substitution of arginine by glutamine at amino acid 26 (p.Arg26Gln). This variant has been detected in at least 10 unrelated individuals with OTC deficiency (PMID: 17041896, PMID: 17334707, PMID: 23769969, PMID: 2474822* [counted for PP4], PMID: 25994866, PMID: 28266016, PMID: 32410394, PMID: 35281663). The prevalence of the variant in affected individuals is significantly increased compared with the prevalence in controls (PMID: 17041896, PMID: 17334707, PMID: 23769969, PMID: 2474822* [counted for PP4], PMID: 25994866, PMID: 28266016, PMID: 32410394) (PS4_VeryStrong). This variant is absent in gnomAD v4.1.0 (PM2_Supporting), though it is flagged as having low quality genotypes removed. The computational predictor REVEL gives a score of 0.562 which is neither above nor below the thresholds predicting a damaging (>0.75) or benign (<0.25) impact on OTC function. In summary, this variant meets the criteria to be classified as pathogenic for OTC deficiency based on the ACMG/AMP criteria applied, as specified by the ClinGen Urea Cycle Disorders Variant Curation Expert Panel (OTC specifications version 1.0.0): PS4_VeryStrong, PP4_Moderate, PM2_Supporting.

Department of Molecular Genetics, Istishari Arab Hospital
Classification: Likely pathogenic for Ornithine carbamoyltransferase deficiency. Last evaluated: 2025-10-22. Review status: criteria provided, single submitter. Criteria: ACMG Guidelines, 2015. Collection method: clinical testing. Allele origin: germline. Inheritance: X-linked recessive inheritance. Affected: yes. Not counted in ClinVar's aggregate classification.
Comment: The OTC variant c.77G>A p.(Arg26Gln) causes an amino acid change from Arg to Gln at position 26. The substitution is in close proximity to the highly conserved donor splice site. According to HGMD Professional 2022.1, this variant has previously been described as disease causing for Ornithine transcarbamylase deficiency by Grompe et al., 1991 (PMID: 1671317), Kim et al., 2013 (PMID: 23769969), Magesh et al., 2014 (PMID: 28324312). It is classified as likely pathogenic (class 2) according to the recommendations of ACMG.

PreventionGenetics, part of Exact Sciences
Classification: Pathogenic for OTC-related condition. Last evaluated: 2025-04-17. Review status: criteria provided, single submitter. Criteria: ACMG Guidelines, 2015. Collection method: clinical testing. Allele origin: germline. Not counted in ClinVar's aggregate classification.
Comment: The OTC c.77G>A variant is predicted to result in the amino acid substitution p.Arg26Gln. This variant has been reported in the hemizygous state in several males with severe neonatal-onset ornithine transcarbamylase deficiency (OTCD) (McCullough et al. 2000. PubMed ID: 10946359; Arranz et al. 2007. PubMed ID: 17334707; Shao et al. 2017. PubMed ID: 28266016; Zheng et al. 2020. PubMed ID: 32410394). A different nucleotide change at the same location (c.77G>C) has also been reported in association with OTCD (Caldovic et al. 2015. PubMed ID: 26059767). Based on these observations, we interpret this variant as pathogenic.

Revvity Omics, Revvity
Classification: Likely pathogenic for Ornithine carbamoyltransferase deficiency. Last evaluated: 2024-06-04. Review status: criteria provided, single submitter. Criteria: ACMG Guidelines, 2015. Collection method: clinical testing. Allele origin: germline. Not counted in ClinVar's aggregate classification.

Labcorp Genetics (formerly Invitae), Labcorp
Classification: Pathogenic for Ornithine carbamoyltransferase deficiency. Last evaluated: 2024-01-31. Review status: criteria provided, single submitter. Criteria: Invitae Variant Classification Sherloc (09022015). Collection method: clinical testing. Allele origin: germline. Not counted in ClinVar's aggregate classification.
Comment: This sequence change replaces arginine, which is basic and polar, with glutamine, which is neutral and polar, at codon 26 of the OTC protein (p.Arg26Gln). This variant also falls at the last nucleotide of exon 1, which is part of the consensus splice site for this exon. This variant is not present in population databases (gnomAD no frequency). This missense change has been observed in individual(s) with OTC deficiency (PMID: 2474822, 25994866). ClinVar contains an entry for this variant (Variation ID: 10993). Algorithms developed to predict the effect of missense changes on protein structure and function output the following: SIFT: "Not Available"; PolyPhen-2: "Benign"; Align-GVGD: "Not Available". The glutamine amino acid residue is found in multiple mammalian species, which suggests that this missense change does not adversely affect protein function. Variants that disrupt the consensus splice site are a relatively common cause of aberrant splicing (PMID: 17576681, 9536098). Algorithms developed to predict the effect of sequence changes on RNA splicing suggest that this variant may disrupt the consensus splice site. For these reasons, this variant has been classified as Pathogenic.

North West Genomic Laboratory Hub, Manchester University NHS Foundation Trust
Classification: Likely pathogenic for Ornithine carbamoyltransferase deficiency. Last evaluated: 2023-12-04. Review status: criteria provided, single submitter. Criteria: ACGS Best Practice Guidelines for Variant Classification in Rare Disease 2020. Collection method: clinical testing. Allele origin: germline. Affected: yes. Not counted in ClinVar's aggregate classification.
Comment: PM2_Mod PS4_Mod PP3_Supp PP4_Mod

Genome-Nilou Lab
Classification: Pathogenic for Ornithine carbamoyltransferase deficiency. Last evaluated: 2021-11-07. Review status: criteria provided, single submitter. Criteria: ACMG Guidelines, 2015. Collection method: clinical testing. Allele origin: germline. Affected: no. Not counted in ClinVar's aggregate classification.

Women's Health and Genetics/Laboratory Corporation of America, LabCorp
Classification: Pathogenic for Ornithine carbamoyltransferase deficiency. Last evaluated: 2018-02-08. Review status: criteria provided, single submitter. Criteria: LabCorp Variant Classification Summary - May 2015. Collection method: clinical testing. Allele origin: germline. Not counted in ClinVar's aggregate classification.
Comment: Variant summary: OTC c.77G>A (p.Arg26Gln) results in a conservative amino acid change in the encoded protein sequence. Four of five in-silico tools predict a benign effect of the variant on protein function. The variant allele was found at a frequency of 1.2e-05 in 86719 control chromosomes in ExAC and the literature. The c.77G>A variant has been reported in the literature in multiple individuals affected with Ornithine Transcarbamylase Deficiency (Grompe_1989, Kim_2006, Kim_2015, Arranz_2007, Shao_2017). These data indicate that the variant is very likely to be associated with disease. To our knowledge, no experimental evidence demonstrating an impact on protein function has been reported. One clinical diagnostic laboratory has submitted clinical-significance assessments for this variant to ClinVar after 2014 without evidence for independent evaluation. One laboratory classified the variant as pathogenic/likely pathogenic. Based on the evidence outlined above, the variant was classified as pathogenic.

Ambry Genetics
Classification: Likely pathogenic for Inborn genetic diseases. Last evaluated: 2016-06-10. Review status: criteria provided, single submitter. Criteria: Ambry Variant Classification Scheme 2023. Collection method: clinical testing. Allele origin: germline. Not counted in ClinVar's aggregate classification.
Comment: The c.77G>A variant (also known as p.R26Q), located in coding exon 1 of the OTC gene, results from a G to A substitution at nucleotide position 77. This change occurs in the last base pair of coding exon 1, which makes it likely to have some effect on normal mRNA splicing. In addition to potential splicing impact, this alteration changes the arginine at codon 26 to glutamine, an amino acid with highly similar properties. Analysis of a liver biopsy from this patient revealed lack of mRNA and enzyme activity (Grompe M et al. Proc. Natl. Acad. Sci. U.S.A. 1989 Aug;86(15):5888-92). This variant was previously reported in the SNPDatabase as rs68031618. This variant was not reported in population-based cohorts in the following databases: NHLBI Exome Sequencing Project (ESP) and 1000 Genomes Project. In the ESP, this variant was not observed in 6502 samples with coverage at this position. Both the nucleotide and amino acid positions are not well conserved in available vertebrate species. Using the ESEfinder splice site prediction tool, this alteration is predicted to weaken the efficiency of the native splice donor site; however, direct experimental evidence is unavailable. Based on the majority of available evidence to date, this variant is likely to be pathogenic.

OMIM
Classification: Pathogenic for ORNITHINE TRANSCARBAMYLASE DEFICIENCY. Last evaluated: 1989-08-01. Review status: no assertion criteria provided. Collection method: literature only. Allele origin: germline. Not counted in ClinVar's aggregate classification.

GenMed Metabolism Lab
Classification: Pathogenic. Review status: no assertion criteria provided. Collection method: not provided. Allele origin: unknown. Not counted in ClinVar's aggregate classification.
Comment: p.Arg26Gln, Neonatal, Leader sequence, CpG dinucleotide, possible donor splice site error
ClinVar note: Converted during submission from pathogenic to Pathogenic.

Literature cited by the submitters: PubMed 1671317 (cited by Department of Molecular Genetics, Istishari Arab Hospital); PubMed 23769969 (cited by Department of Molecular Genetics, Istishari Arab Hospital and Women's Health and Genetics/Laboratory Corporation of America, LabCorp); PubMed 28324312 (cited by Department of Molecular Genetics, Istishari Arab Hospital); PubMed 2474822 (cited by 3 submitters); PubMed 25994866 (cited by Labcorp Genetics (formerly Invitae), Labcorp and Women's Health and Genetics/Laboratory Corporation of America, LabCorp); PubMed 17576681 (cited by Labcorp Genetics (formerly Invitae), Labcorp); PubMed 9536098 (cited by Labcorp Genetics (formerly Invitae), Labcorp); PubMed 17041896 (cited by Women's Health and Genetics/Laboratory Corporation of America, LabCorp); PubMed 17334707 (cited by Women's Health and Genetics/Laboratory Corporation of America, LabCorp); PubMed 28266016 (cited by Women's Health and Genetics/Laboratory Corporation of America, LabCorp).

NM_000531.6(OTC):c.77G>A (p.Arg26Gln)

Gene: OTC (ornithine transcarbamylase; plus strand). Cytogenetic location: Xp11.4.
Variant type: single nucleotide variant.
Coding change: c.77G>A on transcript NM_000531.6 (MANE Select); coding-DNA position 77, G replaced by A.
Protein change: p.Arg26Gln; replaces arginine 26 with glutamine.
Molecular consequence: missense variant.
Genome position (GRCh38, 1-based): chrX:38,352,773, G>A. VCF-style: chrX-38352773-G-A. GRCh37 (hg19) VCF-style: chrX-38212026-G-A.
Other names: p.(Arg26Gln); NM_000531.6(OTC):c.77G>A; short protein forms R26Q.
Identifiers: ClinVar variation 10993 (VCV000010993.22), dbSNP rs68031618, ClinGen allele CA255647.